The following is an entry in ClinVar:

NM_021076.4(NEFH):c.2840A>C (p.Lys947Thr)

Gene: NEFH (neurofilament heavy chain; plus strand). Cytogenetic location: 22q12.2.
Variant type: single nucleotide variant.
Coding change: c.2840A>C on transcript NM_021076.4 (MANE Select); coding-DNA position 2840, A replaced by C.
Protein change: p.Lys947Thr; replaces lysine 947 with threonine.
Molecular consequence: missense variant.
Genome position (GRCh38, 1-based): chr22:29,490,480, A>C. VCF-style: chr22-29490480-A-C. GRCh37 (hg19) VCF-style: chr22-29886469-A-C.
Other names: short protein forms K947T.
Identifiers: ClinVar variation 2786527 (VCV002786527.3), dbSNP rs1411536824, ClinGen allele CA411138780.

ClinVar aggregate classification (germline): Uncertain significance (1 of 4 stars; one submission).

Allele frequency attached by ClinVar (database versions not stated): gnomAD 0.00003; TOPMed 0.00002.
gnomAD v4.1: 32 of 1,589,744 alleles (0.002%); highest among the groups gnomAD compares: Non-Finnish European, 0.0027%; no homozygotes.

Submission:

Labcorp Genetics (formerly Invitae), Labcorp
Classification: Uncertain significance. Last evaluated: 2025-09-02. Review status: criteria provided, single submitter. Criteria: Invitae Variant Classification Sherloc (09022015). Collection method: clinical testing. Allele origin: germline.
Comment: This sequence change replaces lysine, which is basic and polar, with threonine, which is neutral and polar, at codon 947 of the NEFH protein (p.Lys947Thr). This variant is present in population databases (no rsID available, gnomAD 0.002%). This variant has not been reported in the literature in individuals affected with NEFH-related conditions. ClinVar contains an entry for this variant (Variation ID: 2786527). Invitae Evidence Modeling of protein sequence and biophysical properties (such as structural, functional, and spatial information, amino acid conservation, physicochemical variation, residue mobility, and thermodynamic stability) indicates that this missense variant is not expected to disrupt NEFH protein function with a negative predictive value of 95%. In summary, the available evidence is currently insufficient to determine the role of this variant in disease. Therefore, it has been classified as a Variant of Uncertain Significance.